The following is an entry in ClinVar:

ClinVar aggregate classification (germline): Uncertain significance (1 of 4 stars; one submission).

Allele frequency attached by ClinVar (database versions not stated): TOPMed below 0.00001; gnomAD 0.00001; ESP Exome Variant Server 0.00008.
gnomAD v4.1: 20 of 1,613,250 alleles (0.0012%); highest among the groups gnomAD compares: Non-Finnish European, 0.0016%; no homozygotes.

Submission:

Labcorp Genetics (formerly Invitae), Labcorp
Classification: Uncertain significance. Last evaluated: 2024-01-19. Review status: criteria provided, single submitter. Criteria: Invitae Variant Classification Sherloc (09022015). Collection method: clinical testing. Allele origin: germline.
Comment: This sequence change replaces tyrosine, which is neutral and polar, with cysteine, which is neutral and slightly polar, at codon 1287 of the DCHS1 protein (p.Tyr1287Cys). This variant is present in population databases (rs374605435, gnomAD 0.002%). This variant has not been reported in the literature in individuals affected with DCHS1-related conditions. ClinVar contains an entry for this variant (Variation ID: 1972244). Advanced modeling of protein sequence and biophysical properties (such as structural, functional, and spatial information, amino acid conservation, physicochemical variation, residue mobility, and thermodynamic stability) performed at Invitae indicates that this missense variant is not expected to disrupt DCHS1 protein function with a negative predictive value of 80%. In summary, the available evidence is currently insufficient to determine the role of this variant in disease. Therefore, it has been classified as a Variant of Uncertain Significance.

NM_003737.4(DCHS1):c.3860A>G (p.Tyr1287Cys)

Gene: DCHS1 (dachsous cadherin-related 1; minus strand). Cytogenetic location: 11p15.4.
Variant type: single nucleotide variant.
Coding change: c.3860A>G on transcript NM_003737.4 (MANE Select); coding-DNA position 3860, A replaced by G.
Protein change: p.Tyr1287Cys; replaces tyrosine 1287 with cysteine.
Molecular consequence: missense variant.
Genome position (GRCh38, 1-based): chr11:6,631,123, T>C on the plus strand (A>G on the coding strand, the complement: DCHS1 is on the minus strand). VCF-style: chr11-6631123-T-C. GRCh37 (hg19) VCF-style: chr11-6652354-T-C.
Other names: short protein forms Y1287C.
Identifiers: ClinVar variation 1972244 (VCV001972244.5), dbSNP rs374605435, ClinGen allele CA217299032.